The following is an entry in ClinVar:

ClinVar aggregate classification (germline): Uncertain significance (1 of 4 stars; one submission).

Submission:

Labcorp Genetics (formerly Invitae), Labcorp
Classification: Uncertain significance. Last evaluated: 2022-04-06. Review status: criteria provided, single submitter. Criteria: Invitae Variant Classification Sherloc (09022015). Collection method: clinical testing. Allele origin: germline.
Comment: In summary, the available evidence is currently insufficient to determine the role of this variant in disease. Therefore, it has been classified as a Variant of Uncertain Significance. Algorithms developed to predict the effect of missense changes on protein structure and function (SIFT, PolyPhen-2, Align-GVGD) all suggest that this variant is likely to be tolerated. This variant has not been reported in the literature in individuals affected with DMXL2-related conditions. This variant is not present in population databases (gnomAD no frequency). This sequence change replaces asparagine, which is neutral and polar, with lysine, which is basic and polar, at codon 67 of the DMXL2 protein (p.Asn67Lys).

NM_001378457.1(DMXL2):c.201C>G (p.Asn67Lys)

Gene: DMXL2 (Dmx like 2; minus strand). Cytogenetic location: 15q21.2.
Variant type: single nucleotide variant.
Coding change: c.201C>G on transcript NM_001378457.1 (MANE Select); coding-DNA position 201, C replaced by G.
Protein change: p.Asn67Lys; replaces asparagine 67 with lysine.
Molecular consequence: missense variant. On other transcripts: non-coding transcript variant (2).
Genome position (GRCh38, 1-based): chr15:51,576,068, G>C on the plus strand (C>G on the coding strand, the complement: DMXL2 is on the minus strand). VCF-style: chr15-51576068-G-C. GRCh37 (hg19) VCF-style: chr15-51868265-G-C.
Other names: c.201C>G, p.Asn67Lys (NM_001174117.3, NM_001378458.1, NM_001378459.1 and 7 more transcripts); short protein forms N67K.
Identifiers: ClinVar variation 2086746 (VCV002086746.4), dbSNP rs2548745578, ClinGen allele CA392759822.